The following is an entry in ClinVar:

NM_004481.5(GALNT2):c.541+1G>A

Gene: GALNT2 (polypeptide N-acetylgalactosaminyltransferase 2; plus strand). Cytogenetic location: 1q42.13.
Variant type: single nucleotide variant.
Coding change: c.541+1G>A on transcript NM_004481.5 (MANE Select); the canonical splice donor site of the intron after coding-DNA position 541, G replaced by A.
Molecular consequence: splice donor variant.
Genome position (GRCh38, 1-based): chr1:230,236,421, G>A. VCF-style: chr1-230236421-G-A. GRCh37 (hg19) VCF-style: chr1-230372167-G-A.
Other names: c.427+1G>A (NM_001291866.2).
Identifiers: ClinVar variation 5003021 (VCV005003021.1).

ClinVar aggregate classification (germline): Uncertain significance (1 of 4 stars; one submission).

gnomAD v4.1: 3 of 1,613,720 alleles (0.00019%); highest among the groups gnomAD compares: Non-Finnish European, 0.00025%; no homozygotes.

Submission:

OLLIN Analises Genomicas, OLLIN
Classification: Uncertain significance. Last evaluated: 2026-08-06. Review status: criteria provided, single submitter. Criteria: ACMG Guidelines 2015 PMID 25741868. Collection method: clinical testing. Allele origin: germline.
Comment: This variant, located at the canonical splicing site (splice donor), has been observed in gnomAD with an allele frequency of 0.00019%, but has not been reported in ClinVar or identified in the literature. This variant is predicted to disrupt a canonical splice site, potentially leading to exon skipping, mRNA degradation via nonsense-mediated decay (NMD), or production of a truncated protein. According to the currently available evidence, this variant has been classified as uncertain significance (PVS1_S, PM2_P).